The following is an entry in ClinVar:

ClinVar aggregate classification (germline): Pathogenic (1 of 4 stars; one submission).

Submission:

CeGaT Center for Human Genetics Tuebingen
Classification: Pathogenic. Last evaluated: 2026-03-01. Review status: criteria provided, single submitter. Criteria: CeGaT Center For Human Genetics Tuebingen Variant Classification Criteria Version 2. Collection method: clinical testing. Allele origin: germline. Affected: yes. Observed: 1 variant allele.
Comment: LMNA: PVS1, PM2

NM_170707.4(LMNA):c.1808C>G (p.Ser603Ter)

Gene: LMNA (lamin A/C; plus strand). Cytogenetic location: 1q22.
Variant type: single nucleotide variant.
Coding change: c.1808C>G on transcript NM_170707.4 (MANE Select); coding-DNA position 1808, C replaced by G.
Protein change: p.Ser603Ter; replaces serine 603 with a stop codon.
Molecular consequence: nonsense.
Genome position (GRCh38, 1-based): chr1:156,138,597, C>G. VCF-style: chr1-156138597-C-G. GRCh37 (hg19) VCF-style: chr1-156108388-C-G.
Other names: c.1250C>G, p.Ser417Ter (NM_001406993.1, NM_001406995.1, NM_001406996.1 and 2 more transcripts); c.1184C>G, p.Ser395Ter (NM_001406994.1, NM_001406999.1, NM_001407000.1 and 1 more transcripts); c.1472C>G, p.Ser491Ter (NM_001257374.3, NM_001406989.1); c.1808C>G, p.Ser603Ter (NM_001282626.2, NM_001406983.1, NM_001406985.1 and 1 more transcripts); c.1565C>G, p.Ser522Ter (NM_001406986.1, NM_001406987.1); c.1511C>G, p.Ser504Ter (NM_001406988.1); c.1718C>G, p.Ser573Ter (NM_170708.4); short protein forms S395*, S417*, S491*, S504*, S522*, S573*, S603*.
Identifiers: ClinVar variation 4823771 (VCV004823771.4).